The following is an entry in ClinVar:

NM_001846.4(COL4A2):c.101G>A (p.Gly34Asp)

Gene: COL4A2 (collagen type IV alpha 2 chain; plus strand). Cytogenetic location: 13q34.
Variant type: single nucleotide variant.
Coding change: c.101G>A on transcript NM_001846.4 (MANE Select); coding-DNA position 101, G replaced by A.
Protein change: p.Gly34Asp; replaces glycine 34 with aspartic acid.
Molecular consequence: missense variant.
Genome position (GRCh38, 1-based): chr13:110,357,473, G>A. VCF-style: chr13-110357473-G-A. GRCh37 (hg19) VCF-style: chr13-111009820-G-A.
Other names: short protein forms G34D.
Identifiers: ClinVar variation 3341485 (VCV003341485.1).

ClinVar aggregate classification (germline): Uncertain significance (1 of 4 stars; one submission).

Conditions:
Brain small vessel disease 2A, autosomal dominant. Also called: Porencephaly 2. Identifiers: Orphanet 2940, Orphanet 99810, MedGen C3280970, MONDO:0013773, OMIM 614483.

gnomAD v4.1: 4 of 1,587,428 alleles (0.00025%); highest among the groups gnomAD compares: South Asian, 0.0023%; no homozygotes.

Submission:

Neuberg Centre For Genomic Medicine, NCGM
Classification: Uncertain significance for Brain small vessel disease 2A, autosomal dominant. Last evaluated: 2023-05-20. Review status: criteria provided, single submitter. Criteria: ACMG Guidelines, 2015. Collection method: clinical testing. Allele origin: germline. Inheritance: Autosomal dominant inheritance. Affected: yes.
Comment: The observed missense c.101G>A(p.Gly34Asp) variant in COL4A2 gene has not been reported previously as a pathogenic variant nor a benign variant, to our knowledge. The p.Gly34Asp variant is absent in gnomAD Exomes. This variant has not been submitted to the ClinVar database. The amino acid change p.Gly34Asp in COL4A2 is predicted as conserved by GERP++ and PhyloP across 100 vertebrates. The amino acid Gly at position 34 is changed to a Asp changing protein sequence and it might alter its composition and physico-chemical properties. Multiple lines of computational evidences (Polyphen - Possibly damaging , SIFT - Damaging and MutationTaster - Disease causing) predict a damaging effect on protein structure and function for this variant. For these reasons, this variant has been classified as a Variant of Uncertain Significance (VUS).